The following is an entry in ClinVar:

NM_001257293.2(HNRNPH1):c.1224C>T (p.Tyr408=)

Genes: HNRNPH1 (heterogeneous nuclear ribonucleoprotein H1; minus strand), LOC128966623 (uncharacterized LOC128966623; plus strand). Cytogenetic location: 5q35.3.
Variant type: single nucleotide variant.
Coding change: c.1224C>T on transcript NM_001257293.2 (MANE Select); coding-DNA position 1224, C replaced by T.
Protein change: p.Tyr408=; no amino-acid change (tyrosine 408 retained).
Molecular consequence: synonymous variant.
Genome position (GRCh38, 1-based): chr5:179,616,202, G>A on the plus strand (C>T on the coding strand, the complement: HNRNPH1 is on the minus strand). VCF-style: chr5-179616202-G-A. GRCh37 (hg19) VCF-style: chr5-179043203-G-A.
Other names: c.1164C>T, p.Tyr388= (NM_001363572.2, NM_001364230.2, NM_001364232.2 and 5 more transcripts); c.1224C>T, p.Tyr408= (NM_001364225.2, NM_001364226.2, NM_001364227.2 and 11 more transcripts); c.1233C>T, p.Tyr411= (NM_001364231.2, NM_001395176.1); c.1143C>T, p.Tyr381= (NM_001364240.2, NM_001364248.2); c.1203C>T, p.Tyr401= (NM_001364241.2, NM_001364242.2, NM_001364243.2 and 3 more transcripts); c.1194C>T, p.Tyr398= (NM_001364244.2, NM_001395181.1, NM_001395187.1 and 1 more transcripts); c.1068C>T, p.Tyr356= (NM_001364250.2); c.621C>T, p.Tyr207= (NM_001364251.2, NM_001364252.2, NM_001364253.2 and 3 more transcripts); and 7 more.
Identifiers: ClinVar variation 3388487 (VCV003388487.14).

ClinVar aggregate classification (germline): Likely benign (1 of 4 stars; one submission).

gnomAD v4.1: 31 of 1,614,082 alleles (0.0019%); highest among the groups gnomAD compares: East Asian, 0.011%; no homozygotes.

Submission:

CeGaT Center for Human Genetics Tuebingen
Classification: Likely benign. Last evaluated: 2025-03-01. Review status: criteria provided, single submitter. Criteria: CeGaT Center For Human Genetics Tuebingen Variant Classification Criteria Version 2. Collection method: clinical testing. Allele origin: germline. Affected: yes. Observed: 2 variant alleles.
Comment: HNRNPH1: BP4, BP7